The following is an entry in ClinVar:

NM_007325.5(GRIA3):c.428C>T (p.Pro143Leu)

Gene: GRIA3 (glutamate ionotropic receptor AMPA type subunit 3; plus strand). Cytogenetic location: Xq25.
Variant type: single nucleotide variant.
Coding change: c.428C>T on transcript NM_007325.5 (MANE Select); coding-DNA position 428, C replaced by T.
Protein change: p.Pro143Leu; replaces proline 143 with leucine.
Molecular consequence: missense variant.
Genome position (GRCh38, 1-based): chrX:123,253,462, C>T. VCF-style: chrX-123253462-C-T. GRCh37 (hg19) VCF-style: chrX-122387313-C-T.
Other names: c.428C>T, p.Pro143Leu (NM_000828.5); short protein forms P143L.
Identifiers: ClinVar variation 3362060 (VCV003362060.1).

ClinVar aggregate classification (germline): Uncertain significance (1 of 4 stars; one submission).

Submission:

GeneDx
Classification: Uncertain significance. Last evaluated: 2023-05-28. Review status: criteria provided, single submitter. Criteria: GeneDx Variant Classification Process June 2021. Collection method: clinical testing. Allele origin: germline. Affected: yes.
Comment: Not observed at significant frequency in large population cohorts (gnomAD); In silico analysis supports that this missense variant has a deleterious effect on protein structure/function; Has not been previously published as pathogenic or benign to our knowledge